The following is an entry in ClinVar:

ClinVar aggregate classification (germline): Benign. Review status: criteria provided, multiple submitters, no conflicts (2 of 4 stars). 3 submissions from 3 submitters: Benign (3). Last evaluated 2018-08-20.

Conditions:
T-cell immunodeficiency, congenital alopecia, and nail dystrophy. Also called: Congenital alopecia and nail dystrophy associated with severe functional T-cell immunodeficiency; Pignata Guarino syndrome. Identifiers: Orphanet 169095, MedGen C1866426, MONDO:0011132, OMIM 601705.

Allele frequency attached by ClinVar (database versions not stated): gnomAD exomes 0.07196; gnomAD 0.11721 and 0.12103; 1000 Genomes Project 0.11961; 1000 Genomes Project 30x 0.12039; TOPMed 0.12331.
gnomAD v4.1: 49,663 of 591,614 alleles (8.4%); highest among the groups gnomAD compares: African/African-American, 24%; 3,019 homozygotes.

Submissions (3):

GeneDx
Classification: Benign. Last evaluated: 2018-08-20. Review status: criteria provided, single submitter. Criteria: GeneDx Variant Classification Process June 2021. Collection method: clinical testing. Allele origin: germline. Affected: yes.

Illumina Laboratory Services, Illumina
Classification: Benign for T-cell immunodeficiency, congenital alopecia, and nail dystrophy. Last evaluated: 2018-01-13. Review status: criteria provided, single submitter. Criteria: ICSL Variant Classification Criteria 13 December 2019. Collection method: clinical testing. Allele origin: germline.
Comment: This variant was observed in the ICSL laboratory as part of a predisposition screen in an ostensibly healthy population. It had not been previously curated by ICSL or reported in the Human Gene Mutation Database (HGMD: prior to June 1st, 2018), and was therefore a candidate for classification through an automated scoring system. Utilizing variant allele frequency, disease prevalence and penetrance estimates, and inheritance mode, an automated score was calculated to assess if this variant is too frequent to cause the disease. Based on the score and internal cut-off values, a variant classified as benign is not then subjected to further curation. The score for this variant resulted in a classification of benign for this disease.

Breakthrough Genomics
Classification: Benign. Review status: criteria provided, single submitter. Criteria: ACMG Guidelines, 2015. Collection method: not provided. Allele origin: germline. Inheritance: Autosomal recessive inheritance. Affected: yes.

NM_001369369.1(FOXN1):c.*254G>A

Gene: FOXN1 (forkhead box N1; plus strand). Cytogenetic location: 17q11.2.
Variant type: single nucleotide variant.
Coding change: c.*254G>A on transcript NM_001369369.1 (MANE Select); 254 bases downstream of the stop codon, G replaced by A.
Molecular consequence: 3 prime UTR variant.
Genome position (GRCh38, 1-based): chr17:28,537,690, G>A. VCF-style: chr17-28537690-G-A. GRCh37 (hg19) VCF-style: chr17-26864708-G-A.
Other names: c.*254G>A (NM_003593.3).
Identifiers: ClinVar variation 322441 (VCV000322441.9), dbSNP rs3744635, ClinGen allele CA10645214.